The following is an entry in ClinVar:

NM_001099287.2(NIPAL4):c.523C>G (p.His175Asp)

Gene: NIPAL4 (NIPA like domain containing 4; plus strand). Cytogenetic location: 5q33.3.
Variant type: single nucleotide variant.
Coding change: c.523C>G on transcript NM_001099287.2 (MANE Select); coding-DNA position 523, C replaced by G.
Protein change: p.His175Asp; replaces histidine 175 with aspartic acid.
Molecular consequence: missense variant.
Genome position (GRCh38, 1-based): chr5:157,471,754, C>G. VCF-style: chr5-157471754-C-G. GRCh37 (hg19) VCF-style: chr5-156898762-C-G.
Other names: c.466C>G, p.His156Asp (NM_001172292.2); short protein forms H237D, H218D, H175D, H156D.
Identifiers: ClinVar variation 638546 (VCV000638546.5), dbSNP rs750991783, ClinGen allele CA3534669.

ClinVar aggregate classification (germline): Uncertain significance. Review status: criteria provided, single submitter (1 of 4 stars). 2 submissions from 2 submitters: Uncertain significance (1). 1 of the submissions does not count toward it. Last evaluated 2023-11-12.

Conditions:
Autosomal recessive congenital ichthyosis 6 (ARCI6). Identifiers: Orphanet 313, Orphanet 79394, MedGen C2677065, MONDO:0012847, OMIM 612281.

Allele frequency attached by ClinVar (database versions not stated): gnomAD exomes below 0.00001 and 0.00001; ExAC 0.00003.
gnomAD v4.1: 2 of 1,604,100 alleles (0.00012%); highest among the groups gnomAD compares: South Asian, 0.0022%; no homozygotes.

Submissions (2):

Labcorp Genetics (formerly Invitae), Labcorp
Classification: Uncertain significance. Last evaluated: 2023-11-12. Review status: criteria provided, single submitter. Criteria: Invitae Variant Classification Sherloc (09022015). Collection method: clinical testing. Allele origin: germline.
Comment: This sequence change replaces histidine, which is basic and polar, with aspartic acid, which is acidic and polar, at codon 237 of the NIPAL4 protein (p.His237Asp). This variant is present in population databases (rs750991783, gnomAD 0.007%). This missense change has been observed in individual(s) with congenital ichthyosis (PMID: 15317751). ClinVar contains an entry for this variant (Variation ID: 638546). An algorithm developed to predict the effect of missense changes on protein structure and function (PolyPhen-2) suggests that this variant is likely to be disruptive. In summary, the available evidence is currently insufficient to determine the role of this variant in disease. Therefore, it has been classified as a Variant of Uncertain Significance.

Institute for Human Genetics, University Medical Center Freiburg
Classification: Pathogenic for Autosomal recessive congenital ichthyosis 6. Last evaluated: 2019-05-16. Review status: no assertion criteria provided. Collection method: clinical testing. Allele origin: germline. Affected: yes. Not counted in ClinVar's aggregate classification.

Literature cited by the submitters: PubMed 15317751 (cited by Labcorp Genetics (formerly Invitae), Labcorp and Institute for Human Genetics, University Medical Center Freiburg).